The following is an entry in ClinVar:

NM_153490.3(KRT13):c.766G>A (p.Gly256Ser)

Gene: KRT13 (keratin 13; minus strand). Cytogenetic location: 17q21.2.
Variant type: single nucleotide variant.
Coding change: c.766G>A on transcript NM_153490.3 (MANE Select); coding-DNA position 766, G replaced by A.
Protein change: p.Gly256Ser; replaces glycine 256 with serine.
Molecular consequence: missense variant.
Genome position (GRCh38, 1-based): chr17:41,503,068, C>T on the plus strand (G>A on the coding strand, the complement: KRT13 is on the minus strand). VCF-style: chr17-41503068-C-T. GRCh37 (hg19) VCF-style: chr17-39659320-C-T.
Other names: c.766G>A, p.Gly256Ser (NM_002274.4); short protein forms G256S.
Identifiers: ClinVar variation 323089 (VCV000323089.8), dbSNP rs140780704, ClinGen allele CA8560652.

ClinVar aggregate classification (germline): Conflicting classifications of pathogenicity. Review status: criteria provided, conflicting classifications (1 of 4 stars). 3 submissions from 3 submitters: Uncertain significance (1); Benign (2). Last evaluated 2023-12-12.

Conditions:
Inborn genetic diseases. Identifiers: MedGen C0950123, MeSH D030342.
White sponge nevus 2 (WSN2). Identifiers: MedGen C4014321, MONDO:0014346, OMIM 615785.

Allele frequency attached by ClinVar (database versions not stated): ExAC 0.00057; gnomAD 0.00069 and 0.00072; gnomAD exomes 0.00056 and 0.00118; TOPMed 0.00060; 1000 Genomes Project 30x 0.00016; 1000 Genomes Project 0.00020; ESP Exome Variant Server 0.00062.
gnomAD v4.1: 1,798 of 1,614,150 alleles (0.11%); highest among the groups gnomAD compares: Non-Finnish European, 0.14%; 3 homozygotes.

Submissions (3):

Ambry Genetics
Classification: Uncertain significance for Inborn genetic diseases. Last evaluated: 2023-12-12. Review status: criteria provided, single submitter. Criteria: Ambry Variant Classification Scheme 2023. Collection method: clinical testing. Allele origin: germline.

Illumina Laboratory Services, Illumina
Classification: Benign for White sponge nevus 2. Last evaluated: 2018-01-13. Review status: criteria provided, single submitter. Criteria: ICSL Variant Classification Criteria 13 December 2019. Collection method: clinical testing. Allele origin: germline.
Comment: This variant was observed in the ICSL laboratory as part of a predisposition screen in an ostensibly healthy population. It had not been previously curated by ICSL or reported in the Human Gene Mutation Database (HGMD: prior to June 1st, 2018), and was therefore a candidate for classification through an automated scoring system. Utilizing variant allele frequency, disease prevalence and penetrance estimates, and inheritance mode, an automated score was calculated to assess if this variant is too frequent to cause the disease. Based on the score and internal cut-off values, a variant classified as benign is not then subjected to further curation. The score for this variant resulted in a classification of benign for this disease.

Breakthrough Genomics
Classification: Benign. Review status: criteria provided, single submitter. Criteria: ACMG Guidelines, 2015. Collection method: not provided. Allele origin: germline. Inheritance: Autosomal dominant inheritance. Affected: yes.